The following is an entry in ClinVar:

ClinVar aggregate classification (germline): Uncertain significance (1 of 4 stars; one submission).

Submission:

Labcorp Genetics (formerly Invitae), Labcorp
Classification: Uncertain significance. Last evaluated: 2025-06-18. Review status: criteria provided, single submitter. Criteria: Invitae Variant Classification Sherloc (09022015). Collection method: clinical testing. Allele origin: germline.
Comment: This sequence change replaces threonine, which is neutral and polar, with serine, which is neutral and polar, at codon 188 of the SLC26A1 protein (p.Thr188Ser). This variant is not present in population databases (gnomAD no frequency). This variant has not been reported in the literature in individuals affected with SLC26A1-related conditions. Invitae Evidence Modeling of protein sequence and biophysical properties (such as structural, functional, and spatial information, amino acid conservation, physicochemical variation, residue mobility, and thermodynamic stability) indicates that this missense variant is not expected to disrupt SLC26A1 protein function with a negative predictive value of 80%. In summary, the available evidence is currently insufficient to determine the role of this variant in disease. Therefore, it has been classified as a Variant of Uncertain Significance.

NM_022042.4(SLC26A1):c.562A>T (p.Thr188Ser)

Genes: IDUA (alpha-L-iduronidase; plus strand), SLC26A1 (solute carrier family 26 member 1; minus strand). Cytogenetic location: 4p16.3.
Variant type: single nucleotide variant.
Coding change: c.562A>T on transcript NM_022042.4 (MANE Select); coding-DNA position 562, A replaced by T.
Protein change: p.Thr188Ser; replaces threonine 188 with serine.
Molecular consequence: missense variant. On other transcripts: intron variant (1).
Genome position (GRCh38, 1-based): chr4:991,142, T>A on the plus strand (A>T on the coding strand, the complement: SLC26A1 is on the minus strand). VCF-style: chr4-991142-T-A. GRCh37 (hg19) VCF-style: chr4-984930-T-A.
Other names: c.562A>T, p.Thr188Ser (NM_134425.4, NM_213613.4); c.299+3193T>A (NM_000203.5); short protein forms T188S.
Identifiers: ClinVar variation 4754131 (VCV004754131.1).